The following is an entry in ClinVar:

ClinVar aggregate classification (germline): Uncertain significance (1 of 4 stars; one submission).

Allele frequency attached by ClinVar (database versions not stated): gnomAD exomes below 0.00001; ExAC 0.00001.
gnomAD v4.1: 2 of 1,614,188 alleles (0.00012%); highest among the groups gnomAD compares: Non-Finnish European, 0.00017%; no homozygotes.

Submission:

GeneDx
Classification: Uncertain significance. Last evaluated: 2023-06-20. Review status: criteria provided, single submitter. Criteria: GeneDx Variant Classification Process June 2021. Collection method: clinical testing. Allele origin: germline. Affected: yes.
Comment: In silico analysis supports that this missense variant does not alter protein structure/function; Has not been previously published as pathogenic or benign to our knowledge

NM_001378418.1(TCF20):c.3958C>G (p.Leu1320Val)

Gene: TCF20 (transcription factor 20; minus strand). Cytogenetic location: 22q13.2.
Variant type: single nucleotide variant.
Coding change: c.3958C>G on transcript NM_001378418.1 (MANE Select); coding-DNA position 3958, C replaced by G.
Protein change: p.Leu1320Val; replaces leucine 1320 with valine.
Molecular consequence: missense variant.
Genome position (GRCh38, 1-based): chr22:42,211,348, G>C on the plus strand (C>G on the coding strand, the complement: TCF20 is on the minus strand). VCF-style: chr22-42211348-G-C. GRCh37 (hg19) VCF-style: chr22-42607354-G-C.
Other names: c.3958C>G, p.Leu1320Val (NM_005650.4, NM_181492.3); short protein forms L1320V.
Identifiers: ClinVar variation 3253520 (VCV003253520.1), dbSNP rs774708444.